The following is an entry in ClinVar:

NM_001040108.2(MLH3):c.1173G>A (p.Gln391=)

Gene: MLH3 (mutL homolog 3; minus strand). Cytogenetic location: 14q24.3.
Variant type: single nucleotide variant.
Coding change: c.1173G>A on transcript NM_001040108.2 (MANE Select); coding-DNA position 1173, G replaced by A.
Protein change: p.Gln391=; no amino-acid change (glutamine 391 retained).
Molecular consequence: synonymous variant.
Genome position (GRCh38, 1-based): chr14:75,048,483, C>T on the plus strand (G>A on the coding strand, the complement: MLH3 is on the minus strand). VCF-style: chr14-75048483-C-T. GRCh37 (hg19) VCF-style: chr14-75515186-C-T.
Other names: c.1173G>A, p.Gln391= (NM_014381.3).
Identifiers: ClinVar variation 2448603 (VCV002448603.3), dbSNP rs2503301925, ClinGen allele CA487273948.

ClinVar aggregate classification (germline): Benign/Likely benign. Review status: criteria provided, multiple submitters, no conflicts (2 of 4 stars). 2 submissions from 2 submitters: Benign (1); Likely benign (1). Last evaluated 2026-09-16.

Conditions:
Colorectal cancer, hereditary nonpolyposis, type 7. Identifiers: Orphanet 144, MedGen C1858380, MONDO:0013725, OMIM 614385.

Submissions (2):

Myriad Genetics, Inc.
Classification: Benign for Colorectal cancer, hereditary nonpolyposis, type 7. Last evaluated: 2026-09-16. Review status: criteria provided, single submitter. Criteria: Myriad Autosomal Dominant, Autosomal Recessive and X-Linked Classification Criteria (2023). Collection method: clinical testing. Allele origin: unknown.
Comment: This variant is considered benign. This variant is a silent/synonymous amino acid change and it is not expected to impact splicing.

Ambry Genetics
Classification: Likely benign. Last evaluated: 2022-11-16. Review status: criteria provided, single submitter. Criteria: Ambry Variant Classification Scheme 2023. Collection method: clinical testing. Allele origin: germline.